The following is an entry in ClinVar:

NM_138694.4(PKHD1):c.8390A>G (p.Asn2797Ser)

Gene: PKHD1 (PKHD1 ciliary IPT domain containing fibrocystin/polyductin; minus strand). Cytogenetic location: 6p12.3.
Variant type: single nucleotide variant.
Coding change: c.8390A>G on transcript NM_138694.4 (MANE Select); coding-DNA position 8390, A replaced by G.
Protein change: p.Asn2797Ser; replaces asparagine 2797 with serine.
Molecular consequence: missense variant.
Genome position (GRCh38, 1-based): chr6:51,791,286, T>C on the plus strand (A>G on the coding strand, the complement: PKHD1 is on the minus strand). VCF-style: chr6-51791286-T-C. GRCh37 (hg19) VCF-style: chr6-51656084-T-C.
Other names: c.8390A>G, p.Asn2797Ser (NM_170724.3); short protein forms N2797S.
Identifiers: ClinVar variation 1011386 (VCV001011386.14), dbSNP rs369941024, ClinGen allele CA3851646.

ClinVar aggregate classification (germline): Uncertain significance. Review status: criteria provided, single submitter (1 of 4 stars). 2 submissions from 2 submitters: Uncertain significance (1). 1 of the submissions does not count toward it. Last evaluated 2022-11-15.

Conditions:
Autosomal recessive polycystic kidney disease (ARPKD). Also called: AR polycystic kidney disease. Identifiers: Orphanet 731, Orphanet 8378, MedGen C0085548, MeSH D017044, MONDO:0009889.

Allele frequency attached by ClinVar (database versions not stated): gnomAD exomes below 0.00001; TOPMed below 0.00001; ExAC 0.00001; gnomAD 0.00001; ESP Exome Variant Server 0.00008.
gnomAD v4.1: 3 of 1,613,834 alleles (0.00019%); highest among the groups gnomAD compares: African/African-American, 0.0013%; no homozygotes.

Submissions (2):

Labcorp Genetics (formerly Invitae), Labcorp
Classification: Uncertain significance for Autosomal recessive polycystic kidney disease. Last evaluated: 2022-11-15. Review status: criteria provided, single submitter. Criteria: Invitae Variant Classification Sherloc (09022015). Collection method: clinical testing. Allele origin: germline.
Comment: This sequence change replaces asparagine, which is neutral and polar, with serine, which is neutral and polar, at codon 2797 of the PKHD1 protein (p.Asn2797Ser). This variant is present in population databases (rs369941024, gnomAD 0.0009%). In summary, the available evidence is currently insufficient to determine the role of this variant in disease. Therefore, it has been classified as a Variant of Uncertain Significance. Advanced modeling of protein sequence and biophysical properties (such as structural, functional, and spatial information, amino acid conservation, physicochemical variation, residue mobility, and thermodynamic stability) performed at Invitae indicates that this missense variant is expected to disrupt PKHD1 protein function. ClinVar contains an entry for this variant (Variation ID: 1011386). This variant has not been reported in the literature in individuals affected with PKHD1-related conditions.

Natera, Inc.
Classification: Uncertain significance for Autosomal recessive polycystic kidney disease. Last evaluated: 2020-05-18. Review status: no assertion criteria provided. Collection method: clinical testing. Allele origin: germline. Not counted in ClinVar's aggregate classification.